The following is an entry in ClinVar:

NM_000020.3(ACVRL1):c.1027_1047del (p.Gln343_Leu349del)

Gene: ACVRL1 (activin A receptor like type 1; plus strand). Cytogenetic location: 12q13.13.
Variant type: Deletion.
Coding change: c.1027_1047del on transcript NM_000020.3 (MANE Select); coding-DNA positions 1027 to 1047, 21 bases deleted (CAGTGTTGCATCGCCGACCTG).
Protein change: p.Gln343_Leu349del.
Molecular consequence: inframe deletion.
Genome position (GRCh38, 1-based): chr12:51,915,479-51,915,499, CAGTGTTGCATCGCCGACCTG deleted; deleting any 21 consecutive bases within chr12:51,915,474-51,915,499 gives the same sequence; the c. name uses the placement nearest the transcript's 3' end. VCF-style (leftmost placement, unchanged base first): chr12-51915473-AACCTGCAGTGTTGCATCGCCG-A. GRCh37 (hg19) VCF-style: chr12-52309257-AACCTGCAGTGTTGCATCGCCG-A.
Other names: c.1027_1047del, p.Gln343_Leu349del (NM_001077401.2); c.1027_1047delCAGTGTTGCATCGCCGACCTG (NM_000020.2).
Identifiers: ClinVar variation 658059 (VCV000658059.10), dbSNP rs1592224385, ClinGen allele CA915948525.

ClinVar aggregate classification (germline): Pathogenic/Likely pathogenic. Review status: criteria provided, multiple submitters, no conflicts (2 of 4 stars). 2 submissions from 2 submitters: Pathogenic (1); Likely pathogenic (1). Last evaluated 2023-05-17.

Conditions:
Telangiectasia, hereditary hemorrhagic, type 2 (HHT2). Also called: ACVRL1-Related Hereditary Hemorrhagic Telangiectasia; Telangiectasia, hereditary hemorrhagic, type II. Identifiers: Orphanet 774, MedGen C1838163, MONDO:0010880, OMIM 600376. Disease mechanism: loss of function.
Cardiovascular phenotype. Identifiers: MedGen CN230736.

Submissions (2):

Labcorp Genetics (formerly Invitae), Labcorp
Classification: Pathogenic for Telangiectasia, hereditary hemorrhagic, type 2. Last evaluated: 2023-05-17. Review status: criteria provided, single submitter. Criteria: Invitae Variant Classification Sherloc (09022015). Collection method: clinical testing. Allele origin: germline.
Comment: This variant disrupts a region of the ACVRL1 protein in which other variant(s) (p.Cys344Tyr) have been determined to be pathogenic (PMID: 10767348, 12114496, 14684682, 15880681, 16540754, 16542389, 17384219). This suggests that this is a clinically significant region of the protein, and that variants that disrupt it are likely to be disease-causing. This variant, c.1027_1047del, results in the deletion of 7 amino acid(s) of the ACVRL1 protein (p.Gln343_Leu349del), but otherwise preserves the integrity of the reading frame. This variant is not present in population databases (gnomAD no frequency). This variant has been observed in individual(s) with clinical features of hereditary hemorrhagic telangiectasia (Invitae). ClinVar contains an entry for this variant (Variation ID: 658059). For these reasons, this variant has been classified as Pathogenic.

Ambry Genetics
Classification: Likely pathogenic for Cardiovascular phenotype. Last evaluated: 2021-03-03. Review status: criteria provided, single submitter. Criteria: Ambry Variant Classification Scheme 2023. Collection method: clinical testing. Allele origin: germline.
Comment: The c.1027_1047del21 variant (also known as p.Q343_L349del) is located in coding exon 6 of the ACVRL1 gene. This variant results from an in-frame CAGTGTTGCATCGCCGACCTG deletion at nucleotide positions 1027 to 1047. This results in the in-frame deletion of 7 amino acids at codons 343 to 349. Two alterations in the deleted region, p.C344R (c.1030T>C) and p.C344Y (c.1031G>A), have been detected in multiple unrelated patients with hereditary hemorrhagic telangiectasia (Harrison RE et al. J Med Genet, 2003 Dec;40:865-71; Bossler AD et al. Hum Mutat, 2006 Jul;27:667-75; Wehner LE et al. Clin Genet, 2006 Mar;69:239-45; Gedge F et al. J Mol Diagn, 2007 Apr;9:258-65). Based on internal structural analysis, this deletion removes a portion of the catalytic loop in the ATP-binding pocket of the ACVRL1 kinase domain (Ricard N et al. Blood, 2010 Sep;116:1604-12; Chaikuad A et al. J Biol Chem, 2012 Oct;287:36990-8). This amino acid region is highly conserved in available vertebrate species. This variant was not reported in population-based cohorts in the Genome Aggregation Database (gnomAD). Based on the majority of available evidence to date, this variant is likely to be pathogenic.

Literature cited by the submitters: PubMed 10767348 (cited by Labcorp Genetics (formerly Invitae), Labcorp); PubMed 12114496 (cited by Labcorp Genetics (formerly Invitae), Labcorp); PubMed 14684682 (cited by Labcorp Genetics (formerly Invitae), Labcorp and Ambry Genetics); PubMed 15880681 (cited by Labcorp Genetics (formerly Invitae), Labcorp); PubMed 16540754 (cited by Labcorp Genetics (formerly Invitae), Labcorp); PubMed 16542389 (cited by Labcorp Genetics (formerly Invitae), Labcorp and Ambry Genetics); PubMed 17384219 (cited by Labcorp Genetics (formerly Invitae), Labcorp and Ambry Genetics); PubMed 16752392 (cited by Ambry Genetics); PubMed 20501893 (cited by Ambry Genetics); PubMed 22977237 (cited by Ambry Genetics).